The following is an entry in ClinVar:

NM_182931.3(KMT2E):c.4126C>T (p.Pro1376Ser)

Gene: KMT2E (lysine methyltransferase 2E (inactive); plus strand). Cytogenetic location: 7q22.3.
Variant type: single nucleotide variant.
Coding change: c.4126C>T on transcript NM_182931.3 (MANE Select); coding-DNA position 4126, C replaced by T.
Protein change: p.Pro1376Ser; replaces proline 1376 with serine.
Molecular consequence: missense variant.
Genome position (GRCh38, 1-based): chr7:105,111,882, C>T. VCF-style: chr7-105111882-C-T. GRCh37 (hg19) VCF-style: chr7-104752329-C-T.
Other names: c.4126C>T, p.Pro1376Ser (NM_018682.4); short protein forms P1376S.
Identifiers: ClinVar variation 805916 (VCV000805916.2), dbSNP rs1584816566, ClinGen allele CA368791712.

ClinVar aggregate classification (germline): Uncertain significance (0 of 4 stars; one submission).

Submission:

Broad Center for Mendelian Genomics, Broad Institute of MIT and Harvard
Classification: Uncertain significance. Last evaluated: 2019-02-07. Review status: no assertion criteria provided. Criteria: ACMG Guidelines, 2016. Collection method: research. Allele origin: de novo. Inheritance: Autosomal dominant inheritance. Affected: yes.
Comment: Trio exome analysis showed this variant to be de novo. The p.Pro1376Ser variant in KMT2E has not been previously reported in individuals with developmental delay, intellectual disabilities, or epilepsy and was absent from large population studies. Computational prediction tools, including splice predictors, and conservation analyses suggest that this variant may not impact the protein, though this information is not predictive enough to rule out pathogenicity. In summary, the clinical significance of the p.Pro1376Ser variant is uncertain.